The following is an entry in ClinVar:

NM_001267550.2(TTN):c.18681G>A (p.Pro6227=)

Genes: TTN (titin; minus strand), LOC126806430 (BRD4-independent group 4 enhancer GRCh37_chr2:179593794-179594993; plus strand). Cytogenetic location: 2q31.2.
Variant type: single nucleotide variant.
Coding change: c.18681G>A on transcript NM_001267550.2 (MANE Select); coding-DNA position 18681, G replaced by A.
Protein change: p.Pro6227=; no amino-acid change (proline 6227 retained).
Molecular consequence: synonymous variant. On other transcripts: intron variant (3).
Genome position (GRCh38, 1-based): chr2:178,729,475, C>T on the plus strand (G>A on the coding strand, the complement: TTN is on the minus strand). VCF-style: chr2-178729475-C-T. GRCh37 (hg19) VCF-style: chr2-179594202-C-T.
Other names: c.17730G>A, p.Pro5910= (NM_001256850.1); c.14949G>A, p.Pro4983= (NM_133378.4); c.13282+8607G>A (NM_003319.4); c.13858+8607G>A (NM_133437.4); c.13657+8607G>A (NM_133432.3).
Identifiers: ClinVar variation 516806 (VCV000516806.43), dbSNP rs372273496, ClinGen allele CA2001560.

ClinVar aggregate classification (germline): Likely benign. Review status: criteria provided, multiple submitters, no conflicts (2 of 4 stars). 3 submissions from 3 submitters: Likely benign (3). Last evaluated 2026-01-14.

Conditions:
Dilated cardiomyopathy 1G (CMD1G). Identifiers: Orphanet 154, MedGen C1858763, MONDO:0011400, OMIM 604145.
Autosomal recessive limb-girdle muscular dystrophy type 2J (LGMDR10). Also called: MUSCULAR DYSTROPHY, LIMB-GIRDLE, AUTOSOMAL RECESSIVE 10; Limb-girdle muscular dystrophy, type 2J. Identifiers: Orphanet 140922, MedGen C1837342, MONDO:0012127, OMIM 608807.

Allele frequency attached by ClinVar (database versions not stated): ExAC 0.00002; gnomAD exomes 0.00002; gnomAD 0.00004 and 0.00005; TOPMed 0.00005; ESP Exome Variant Server 0.00008.
gnomAD v4.1: 30 of 1,613,496 alleles (0.0019%); highest among the groups gnomAD compares: African/African-American, 0.0027%; no homozygotes.

Submissions (3):

Labcorp Genetics (formerly Invitae), Labcorp
Classification: Likely benign for Dilated cardiomyopathy 1G; Autosomal recessive limb-girdle muscular dystrophy type 2J. Last evaluated: 2026-01-14. Review status: criteria provided, single submitter. Criteria: Invitae Variant Classification Sherloc (09022015). Collection method: clinical testing. Allele origin: germline.

CeGaT Center for Human Genetics Tuebingen
Classification: Likely benign. Last evaluated: 2022-04-01. Review status: criteria provided, single submitter. Criteria: CeGaT Center For Human Genetics Tuebingen Variant Classification Criteria Version 2. Collection method: clinical testing. Allele origin: germline. Affected: yes. Observed: 1 variant allele.
Comment: TTN: BP4, BP7

GeneDx
Classification: Likely benign. Last evaluated: 2018-07-05. Review status: criteria provided, single submitter. Criteria: GeneDx Variant Classification Process June 2021. Collection method: clinical testing. Allele origin: germline. Affected: yes.